The following is an entry in ClinVar:

ClinVar aggregate classification (germline): Uncertain significance (1 of 4 stars; one submission).

Submission:

Labcorp Genetics (formerly Invitae), Labcorp
Classification: Uncertain significance. Last evaluated: 2024-03-13. Review status: criteria provided, single submitter. Criteria: Invitae Variant Classification Sherloc (09022015). Collection method: clinical testing. Allele origin: germline.
Comment: This sequence change creates a premature translational stop signal (p.Thr424Valfs*2) in the KLF10 gene. While this is not anticipated to result in nonsense mediated decay, it is expected to disrupt the last 57 amino acid(s) of the KLF10 protein. This variant is not present in population databases (gnomAD no frequency). This variant has not been reported in the literature in individuals affected with KLF10-related conditions. Experimental studies and prediction algorithms are not available or were not evaluated, and the functional significance of this variant is currently unknown. In summary, the available evidence is currently insufficient to determine the role of this variant in disease. Therefore, it has been classified as a Variant of Uncertain Significance.

NM_005655.4(KLF10):c.1269_1297del (p.Thr424fs)

Gene: KLF10 (KLF transcription factor 10; minus strand). Cytogenetic location: 8q22.3.
Variant type: Deletion.
Coding change: c.1269_1297del on transcript NM_005655.4 (MANE Select); coding-DNA positions 1269 to 1297, 29 bases deleted (CACGGGTGAGAAGAAATTTGCGTGCCCCA).
Protein change: p.Thr424fs; shifts the reading frame from threonine 424.
Molecular consequence: frameshift variant. On other transcripts: non-coding transcript variant (2).
Genome position (GRCh38, 1-based): chr8:102,650,278-102,650,306, TGGGGCACGCAAATTTCTTCTCACCCGTG deleted on the plus strand (CACGGGTGAGAAGAAATTTGCGTGCCCCA on the coding strand, the reverse complement: KLF10 is on the minus strand); deleting any 29 consecutive bases within chr8:102,650,278-102,650,310 gives the same sequence; the c. name uses the placement nearest the transcript's 3' end. VCF-style (leftmost placement, unchanged base first): chr8-102650277-ATGGGGCACGCAAATTTCTTCTCACCCGTG-A. GRCh37 (hg19) VCF-style: chr8-103662505-ATGGGGCACGCAAATTTCTTCTCACCCGTG-A.
Other names: c.1236_1264del, p.Thr413fs (NM_001032282.4); short protein forms T413fs, T424fs.
Identifiers: ClinVar variation 3713203 (VCV003713203.2).